The following is an entry in ClinVar:

NM_001164508.2(NEB):c.13760_13764dup (p.Lys4589fs)

Gene: NEB (nebulin; minus strand). Cytogenetic location: 2q23.3.
Variant type: Duplication.
Coding change: c.13760_13764dup on transcript NM_001164508.2 (MANE Select); coding-DNA positions 13760 to 13764, 5 bases duplicated (CCAGG; older notation c.13760_13764dupCCAGG).
Protein change: p.Lys4589fs; shifts the reading frame from lysine 4589.
Molecular consequence: frameshift variant. On other transcripts: intron variant (1).
Genome position (GRCh38, 1-based): chr2:151,600,466-151,600,470, CCTGG duplicated on the plus strand (CCAGG on the coding strand, the reverse complement: NEB is on the minus strand); duplicating any 5 consecutive bases within chr2:151,600,466-151,600,471 gives the same sequence; the c. name uses the placement nearest the transcript's 3' end. VCF-style (leftmost placement, unchanged base first): chr2-151600465-T-TCCTGG. GRCh37 (hg19) VCF-style: chr2-152456979-T-TCCTGG.
Other names: c.13760_13764dup, p.Lys4589fs (NM_001164507.2, NM_001271208.2); c.11601+9339_11601+9343dup (NM_004543.5); short protein forms K4589fs.
Identifiers: ClinVar variation 3670753 (VCV003670753.2).
Genomic context (GRCh38, chr2:151,600,465, plus strand): 5'-AGCAATGGGGGACTTGTTTCCTGGGGGACACACTTACGTCGCTCTGTAGGTCGTAGGCTT[T>TCCTGG]CCTGGCTTGGATCACATCATTCTGGTCGGGAAAGCAAGACCAGTGGTGCAGGTAATGGCG-3'

ClinVar aggregate classification (germline): Pathogenic (1 of 4 stars; one submission).

Conditions:
Nemaline myopathy 2 (NEM2). Also called: Nemaline myopathy 2, autosomal recessive. Identifiers: MedGen C1850569, MONDO:0009725, OMIM 256030.

Submission:

Labcorp Genetics (formerly Invitae), Labcorp
Classification: Pathogenic for Nemaline myopathy 2. Last evaluated: 2024-06-20. Review status: criteria provided, single submitter. Criteria: Invitae Variant Classification Sherloc (09022015). Collection method: clinical testing. Allele origin: germline.
Comment: This variant occurs in a region of NEB (Exons 82-105) consisting of three highly homologous 8-exon repeat units (exons 82-89, exons 90-97, exons 98-105). Sequence variants in this region can be detected, but this assay cannot determine which of the three repeat units is affected, and zygosity is often ambiguous. All variants in this region are reported relative to the exon 82-89 repeat. This sequence change creates a premature translational stop signal (p.Lys4589Profs*33) in the NEB gene. It is expected to result in an absent or disrupted protein product. Loss-of-function variants in NEB are known to be pathogenic (PMID: 25205138). The frequency data for this variant in the population databases (gnomAD) is considered unreliable due to the presence of homologous sequence, such as pseudogenes or paralogs, in the genome. This variant has not been reported in the literature in individuals affected with NEB-related conditions. For these reasons, this variant has been classified as Pathogenic.

Literature cited by the submitters: PubMed 25205138.